The following is an entry in ClinVar:

ClinVar aggregate classification (germline): Uncertain significance (1 of 4 stars; one submission).

Conditions:
Cardiovascular phenotype. Identifiers: MedGen CN230736.

Allele frequency attached by ClinVar (database versions not stated): TOPMed below 0.00001; gnomAD 0.00003; gnomAD exomes 0.00003; ExAC 0.00006.
gnomAD v4.1: 43 of 1,613,874 alleles (0.0027%); highest among the groups gnomAD compares: South Asian, 0.024%; no homozygotes.

Submission:

Ambry Genetics
Classification: Uncertain significance for Cardiovascular phenotype. Last evaluated: 2022-03-09. Review status: criteria provided, single submitter. Criteria: Ambry Variant Classification Scheme 2023. Collection method: clinical testing. Allele origin: germline.
Comment: The p.R500H variant (also known as c.1499G>A), located in coding exon 8 of the SNTA1 gene, results from a G to A substitution at nucleotide position 1499. The arginine at codon 500 is replaced by histidine, an amino acid with highly similar properties. This amino acid position is conserved. In addition, this alteration is predicted to be deleterious by in silico analysis. Since supporting evidence is limited at this time, the clinical significance of this alteration remains unclear.

NM_003098.3(SNTA1):c.1499G>A (p.Arg500His)

Gene: SNTA1 (syntrophin alpha 1; minus strand). Cytogenetic location: 20q11.21.
Variant type: single nucleotide variant.
Coding change: c.1499G>A on transcript NM_003098.3 (MANE Select); coding-DNA position 1499, G replaced by A.
Protein change: p.Arg500His; replaces arginine 500 with histidine.
Molecular consequence: missense variant.
Genome position (GRCh38, 1-based): chr20:33,408,526, C>T on the plus strand (G>A on the coding strand, the complement: SNTA1 is on the minus strand). VCF-style: chr20-33408526-C-T. GRCh37 (hg19) VCF-style: chr20-31996332-C-T.
Other names: short protein forms R500H.
Identifiers: ClinVar variation 1773940 (VCV001773940.2), dbSNP rs761509610, ClinGen allele CA9816928.